The following is an entry in ClinVar:

ClinVar aggregate classification (germline): Likely benign (0 of 4 stars; one submission).

Conditions:
NUP188-related disorder. Also called: NUP188-related condition.

Allele frequency attached by ClinVar (database versions not stated): ExAC 0.00001; gnomAD 0.00001; gnomAD exomes 0.00001; TOPMed 0.00001.
gnomAD v4.1: 19 of 1,612,448 alleles (0.0012%); highest among the groups gnomAD compares: East Asian, 0.0022%; no homozygotes.

Submission:

PreventionGenetics, part of Exact Sciences
Classification: Likely benign for NUP188-related condition. Last evaluated: 2019-02-26. Review status: no assertion criteria provided. Collection method: clinical testing. Allele origin: germline.
Comment: This variant is classified as likely benign based on ACMG/AMP sequence variant interpretation guidelines (Richards et al. 2015 PMID: 25741868, with internal and published modifications).

NM_015354.3(NUP188):c.2264+5T>C

Gene: NUP188 (nucleoporin 188; plus strand). Cytogenetic location: 9q34.11.
Variant type: single nucleotide variant.
Coding change: c.2264+5T>C on transcript NM_015354.3 (MANE Select); 5 bases into the intron after coding-DNA position 2264, T replaced by C.
Molecular consequence: intron variant.
Genome position (GRCh38, 1-based): chr9:128,986,880, T>C. VCF-style: chr9-128986880-T-C. GRCh37 (hg19) VCF-style: chr9-131749159-T-C.
Identifiers: ClinVar variation 3058733 (VCV003058733.2), dbSNP rs753864832, ClinGen allele CA5272593.
Genomic context (GRCh38, chr9:128,986,880, plus strand): 5'-TTGGAGCTGATTCATGCGATACTGAACCTGTGCCACGAGACAGACCTGCACAGCAGGTAA[T>C]GAAGGGTTGATTACTAGAGCTTGGTGCTCGCCAAGGCAAGACACGGGCTTTTGCTGTGCA-3'